The following is an entry in ClinVar:

ClinVar aggregate classification (germline): Likely pathogenic (1 of 4 stars; one submission).

Conditions:
Larsen-like syndrome, B3GAT3 type. Also called: Multiple joint dislocations, short stature, craniofacial dysmorphism, with or without congenital heart defects; MULTIPLE JOINT DISLOCATIONS, SHORT STATURE, AND CRANIOFACIAL DYSMORPHISM WITH OR WITHOUT CONGENITAL HEART DEFECTS. Identifiers: Orphanet 284139, MedGen CN034159, MONDO:0009511, OMIM 245600.

Submission:

Labcorp Genetics (formerly Invitae), Labcorp
Classification: Likely pathogenic for Larsen-like syndrome, B3GAT3 type. Last evaluated: 2025-03-07. Review status: criteria provided, single submitter. Criteria: Invitae Variant Classification Sherloc (09022015). Collection method: clinical testing. Allele origin: germline.
Comment: This sequence change affects a donor splice site in intron 2 of the B3GAT3 gene. It is expected to disrupt RNA splicing. Variants that disrupt the donor or acceptor splice site typically lead to a loss of protein function (PMID: 16199547), and loss-of-function variants in B3GAT3 are known to be pathogenic (PMID: 25893793, 27871226). This variant is not present in population databases (gnomAD no frequency). This variant has not been reported in the literature in individuals affected with B3GAT3-related conditions. Algorithms developed to predict the effect of sequence changes on RNA splicing suggest that this variant may disrupt the consensus splice site. In summary, the currently available evidence indicates that the variant is pathogenic, but additional data are needed to prove that conclusively. Therefore, this variant has been classified as Likely Pathogenic.

Literature cited by the submitters: PubMed 16199547; PubMed 25893793; PubMed 27871226.

NM_012200.4(B3GAT3):c.257+1G>A

Gene: B3GAT3 (beta-1,3-glucuronyltransferase 3; minus strand). Cytogenetic location: 11q12.3.
Variant type: single nucleotide variant.
Coding change: c.257+1G>A on transcript NM_012200.4 (MANE Select); the canonical splice donor site of the intron after coding-DNA position 257, G replaced by A.
Molecular consequence: splice donor variant.
Genome position (GRCh38, 1-based): chr11:62,620,496, C>T on the plus strand (G>A on the coding strand, the complement: B3GAT3 is on the minus strand). VCF-style: chr11-62620496-C-T. GRCh37 (hg19) VCF-style: chr11-62387968-C-T.
Other names: c.257+1G>A (NM_001288722.2, NM_001288723.2); c.236+1G>A (NM_001288721.2).
Identifiers: ClinVar variation 4713959 (VCV004713959.1).
Genomic context (GRCh38, chr11:62,620,496, plus strand): 5'-CTCATCATCAACTCCAACTTCTTGGACAACGCAGACCTCTTGAGTGCACCAGAGCCCATA[C>T]CTGGCATAGGTGGGGGTAACAACATAGATAGTAGGCAGGGCCTCGGGTTCAGGGGGCTGG-3'